The following is an entry in ClinVar:

ClinVar aggregate classification (germline): Uncertain significance (1 of 4 stars; one submission).

Submission:

GeneDx
Classification: Uncertain significance. Last evaluated: 2026-04-24. Review status: criteria provided, single submitter. Criteria: GeneDx Variant Classification Process June 2021. Collection method: clinical testing. Allele origin: germline.
Comment: Not observed at significant frequency in large population cohorts (gnomAD); In silico analysis suggests that this missense variant does not alter protein structure/function; Has not been previously published as pathogenic or benign to our knowledge

NM_015937.6(PIGT):c.1483C>G (p.Leu495Val)

Gene: PIGT (phosphatidylinositol glycan anchor biosynthesis class T; plus strand). Cytogenetic location: 20q13.12.
Variant type: single nucleotide variant.
Coding change: c.1483C>G on transcript NM_015937.6 (MANE Select); coding-DNA position 1483, C replaced by G.
Protein change: p.Leu495Val; replaces leucine 495 with valine.
Molecular consequence: missense variant. On other transcripts: non-coding transcript variant (5).
Genome position (GRCh38, 1-based): chr20:45,424,578, C>G. VCF-style: chr20-45424578-C-G. GRCh37 (hg19) VCF-style: chr20-44053218-C-G.
Other names: c.1315C>G, p.Leu439Val (NM_001184728.3); c.1282C>G, p.Leu428Val (NM_001184729.3); c.1177C>G, p.Leu393Val (NM_001184730.3); short protein forms L393V, L428V, L439V, L495V.
Identifiers: ClinVar variation 5037482 (VCV005037482.1).